The following is an entry in ClinVar:

ClinVar aggregate classification (germline): Uncertain significance. Review status: criteria provided, multiple submitters, no conflicts (2 of 4 stars). 2 submissions from 2 submitters: Uncertain significance (2). Last evaluated 2022-04-13.

Conditions:
Chédiak-Higashi syndrome (CHS). Also called: Chediak-Higashi Syndrome. Identifiers: Orphanet 167, MedGen C0007965, MONDO:0008963, OMIM 214500.

gnomAD v4.1: 1 of 1,613,136 alleles (0.000062%); no homozygotes.

Submissions (2):

Labcorp Genetics (formerly Invitae), Labcorp
Classification: Uncertain significance for Chédiak-Higashi syndrome. Last evaluated: 2022-04-13. Review status: criteria provided, single submitter. Criteria: Invitae Variant Classification Sherloc (09022015). Collection method: clinical testing. Allele origin: germline.
Comment: Algorithms developed to predict the effect of missense changes on protein structure and function are either unavailable or do not agree on the potential impact of this missense change (SIFT: "Deleterious"; PolyPhen-2: "Probably Damaging"; Align-GVGD: "Class C0"). This sequence change replaces leucine, which is neutral and non-polar, with arginine, which is basic and polar, at codon 3537 of the LYST protein (p.Leu3537Arg). This variant is not present in population databases (gnomAD no frequency). This variant has not been reported in the literature in individuals affected with LYST-related conditions. In summary, the available evidence is currently insufficient to determine the role of this variant in disease. Therefore, it has been classified as a Variant of Uncertain Significance.

Laboratorio de Genetica e Diagnostico Molecular, Hospital Israelita Albert Einstein
Classification: Uncertain significance for Chédiak-Higashi syndrome. Last evaluated: 2022-01-28. Review status: criteria provided, single submitter. Criteria: ACMG Guidelines, 2015. Collection method: clinical testing. Allele origin: germline. Affected: yes.
Comment: ACMG classification criteria: PM2 moderate, PP3 supporting

NM_000081.4(LYST):c.10610T>G (p.Leu3537Arg)

Gene: LYST (lysosomal trafficking regulator; minus strand). Cytogenetic location: 1q42.3.
Variant type: single nucleotide variant.
Coding change: c.10610T>G on transcript NM_000081.4 (MANE Select); coding-DNA position 10610, T replaced by G.
Protein change: p.Leu3537Arg; replaces leucine 3537 with arginine.
Molecular consequence: missense variant.
Genome position (GRCh38, 1-based): chr1:235,693,441, A>C on the plus strand (T>G on the coding strand, the complement: LYST is on the minus strand). VCF-style: chr1-235693441-A-C. GRCh37 (hg19) VCF-style: chr1-235856741-A-C.
Other names: c.10610T>G, p.Leu3537Arg (NM_001301365.1); short protein forms L3537R.
Identifiers: ClinVar variation 1683573 (VCV001683573.7), dbSNP rs2527258397, ClinGen allele CA344926730.